The following is an entry in ClinVar:

NM_001364905.1(LRBA):c.6082T>G (p.Ser2028Ala)

Gene: LRBA (LPS responsive beige-like anchor protein; minus strand). Cytogenetic location: 4q31.3.
Variant type: single nucleotide variant.
Coding change: c.6082T>G on transcript NM_001364905.1 (MANE Select); coding-DNA position 6082, T replaced by G.
Protein change: p.Ser2028Ala; replaces serine 2028 with alanine.
Molecular consequence: missense variant.
Genome position (GRCh38, 1-based): chr4:150,590,824, A>C on the plus strand (T>G on the coding strand, the complement: LRBA is on the minus strand). VCF-style: chr4-150590824-A-C. GRCh37 (hg19) VCF-style: chr4-151511976-A-C.
Other names: c.6082T>G, p.Ser2028Ala (NM_001199282.3, NM_001367550.1); c.6115T>G, p.Ser2039Ala (NM_006726.5); short protein forms S2039A, S2028A.
Identifiers: ClinVar variation 1391005 (VCV001391005.6), dbSNP rs1375365698, ClinGen allele CA358606215.

ClinVar aggregate classification (germline): Uncertain significance (1 of 4 stars; one submission).

Conditions:
Combined immunodeficiency due to LRBA deficiency. Also called: Common variable immunodeficiency 8, with autoimmunity. Identifiers: Orphanet 445018, MedGen C3553512, MONDO:0013863, OMIM 614700.

Allele frequency attached by ClinVar (database versions not stated): TOPMed below 0.00001; gnomAD 0.00001.
gnomAD v4.1: 1 of 1,613,626 alleles (0.000062%); highest among the groups gnomAD compares: Non-Finnish European, 0.000085%; no homozygotes.

Submission:

Labcorp Genetics (formerly Invitae), Labcorp
Classification: Uncertain significance for Combined immunodeficiency due to LRBA deficiency. Last evaluated: 2023-07-10. Review status: criteria provided, single submitter. Criteria: Invitae Variant Classification Sherloc (09022015). Collection method: clinical testing. Allele origin: germline.
Comment: This sequence change replaces serine, which is neutral and polar, with alanine, which is neutral and non-polar, at codon 2039 of the LRBA protein (p.Ser2039Ala). This variant is not present in population databases (gnomAD no frequency). This variant has not been reported in the literature in individuals affected with LRBA-related conditions. ClinVar contains an entry for this variant (Variation ID: 1391005). Advanced modeling of protein sequence and biophysical properties (such as structural, functional, and spatial information, amino acid conservation, physicochemical variation, residue mobility, and thermodynamic stability) performed at Invitae indicates that this missense variant is not expected to disrupt LRBA protein function. In summary, the available evidence is currently insufficient to determine the role of this variant in disease. Therefore, it has been classified as a Variant of Uncertain Significance.